The following is an entry in ClinVar:

ClinVar aggregate classification (germline): Uncertain significance (1 of 4 stars; one submission).

Conditions:
Marfan syndrome (MFS). Also called: MARFAN SYNDROME, TYPE I; Marfan syndrome type 1; Marfan's syndrome; FBN1-Related Marfan Syndrome; Marfan syndrome, classic. Identifiers: Orphanet 284963, Orphanet 558, MedGen C0024796, MONDO:0007947, OMIM 154700.

Submission:

All of Us Research Program, National Institutes of Health
Classification: Uncertain significance for Marfan syndrome. Last evaluated: 2024-07-29. Review status: criteria provided, single submitter. Criteria: ACMG Guidelines, 2015. Collection method: clinical testing. Allele origin: germline. Inheritance: Autosomal dominant inheritance. Observed: 1 variant allele, 1 heterozygote.
Comment: This missense variant replaces valine with leucine at codon 2568 of the FBN1 protein. Computational prediction tools indicate that this variant has a neutral impact on protein structure and function. To our knowledge, functional studies have not been reported for this variant. This variant has not been reported in individuals affected with FBN1-related disorders in the literature. This variant has not been identified in the general population by the Genome Aggregation Database (gnomAD). The available evidence is insufficient to determine the role of this variant in disease conclusively. Therefore, this variant is classified as a Variant of Uncertain Significance.

This study involves interpretation of variants in research participants for the purpose of population health screening. Participant phenotype was not available at the time of variant classification. Additional details can be found in publication PMID: 35346344, PMCID: PMC8962531

NM_000138.5(FBN1):c.7702G>T (p.Val2568Leu)

Gene: FBN1 (fibrillin 1; minus strand). Cytogenetic location: 15q21.1.
Variant type: single nucleotide variant.
Coding change: c.7702G>T on transcript NM_000138.5 (MANE Select); coding-DNA position 7702, G replaced by T.
Protein change: p.Val2568Leu; replaces valine 2568 with leucine.
Molecular consequence: missense variant.
Genome position (GRCh38, 1-based): chr15:48,420,804, C>A on the plus strand (G>T on the coding strand, the complement: FBN1 is on the minus strand). VCF-style: chr15-48420804-C-A. GRCh37 (hg19) VCF-style: chr15-48713001-C-A.
Other names: c.7702G>T, p.Val2568Leu (NM_001406716.1); short protein forms V2568L.
Identifiers: ClinVar variation 3386754 (VCV003386754.1).